The following is an entry in ClinVar:

ClinVar aggregate classification (germline): Conflicting classifications of pathogenicity. Review status: criteria provided, conflicting classifications (1 of 4 stars). 19 submissions from 19 submitters: Uncertain significance (3); Benign (5); Likely benign (9). 2 of the submissions do not count toward it. Last evaluated 2026-06-22.

Conditions:
RB1-related disorder. Also called: RB1-related condition.
Hereditary cancer-predisposing syndrome. Also called: Neoplastic Syndromes, Hereditary; Tumor predisposition; Hereditary Cancer Syndrome; Hereditary neoplastic syndrome. Identifiers: Orphanet 140162, MedGen C0027672, MeSH D009386, MONDO:0015356.
Ovarian cancer. Also called: OVARIAN CANCER, SOMATIC. Identifiers: Orphanet 213500, MedGen C1140680, MONDO:0008170, OMIM 167000.
Retinoblastoma (RB1). Also called: RETINOBLASTOMA, SOMATIC. Identifiers: Orphanet 790, MedGen C0035335, MeSH D012175, MONDO:0008380, OMIM 180200, HP:0009919. Disease mechanism: loss of function. Inheritance: Both sporadic and heritable forms are tested..

Allele frequency attached by ClinVar (database versions not stated): TOPMed 0.00051; ExAC 0.00058; gnomAD 0.00059 and 0.00055; ESP Exome Variant Server 0.00054.
gnomAD v4.1: 1,629 of 1,613,844 alleles (0.1%); highest among the groups gnomAD compares: Non-Finnish European, 0.12%; 3 homozygotes.

Submissions (19):

Myriad Genetics, Inc.
Classification: Likely benign for Retinoblastoma. Last evaluated: 2026-06-22. Review status: criteria provided, single submitter. Criteria: Myriad Autosomal Dominant, Autosomal Recessive and X-Linked Classification Criteria (2023). Collection method: clinical testing. Allele origin: unknown.
Comment: This variant is considered likely benign. This variant has been observed at a population frequency that is significantly greater than expected given the associated disease prevalence and penetrance.

Labcorp Genetics (formerly Invitae), Labcorp
Classification: Benign for Retinoblastoma. Last evaluated: 2026-02-03. Review status: criteria provided, single submitter. Criteria: Invitae Variant Classification Sherloc (09022015). Collection method: clinical testing. Allele origin: germline.

Center for Genomic Medicine, Rigshospitalet, Copenhagen University Hospital
Classification: Uncertain significance. Last evaluated: 2025-03-04. Review status: criteria provided, single submitter. Criteria: ACMG Guidelines, 2015. Collection method: clinical testing. Allele origin: germline.

Laboratory of Genetics, Children's Clinical University Hospital Latvia
Classification: Likely benign. Last evaluated: 2025-02-16. Review status: criteria provided, single submitter. Criteria: ACMG Guidelines, 2015. Collection method: clinical testing. Allele origin: germline. Affected: yes.

Blueprint Genetics
Classification: Likely benign. Last evaluated: 2024-10-01. Review status: criteria provided, single submitter. Criteria: ACMG Guidelines, 2015. Collection method: clinical testing. Allele origin: germline.

All of Us Research Program, National Institutes of Health
Classification: Benign for Retinoblastoma. Last evaluated: 2024-09-27. Review status: criteria provided, single submitter. Criteria: ACMG Guidelines, 2015. Collection method: clinical testing. Allele origin: germline. Inheritance: Autosomal dominant inheritance. Observed: 200 variant alleles, 199 heterozygotes, 1 homozygote.
Comment: This study involves interpretation of variants in research participants for the purpose of population health screening. Participant phenotype was not available at the time of variant classification. Additional details can be found in publication PMID: 35346344, PMCID: PMC8962531

Genetic Diagnostic Laboratory, University of Pennsylvania School of Medicine
Classification: Likely benign for Retinoblastoma. Last evaluated: 2024-05-20. Review status: criteria provided, single submitter. Criteria: ACMG Guidelines, 2015. Collection method: clinical testing. Allele origin: germline. Affected: yes. Observed: 1 variant allele.
Comment: Case and Pedigree Information: BILATERAL CASES:1, UNILATERAL CASES:0, TOTAL CASES:1, PEDIGREES:1. ACMG Codes Applied:BS1, BP4

CeGaT Center for Human Genetics Tuebingen
Classification: Likely benign. Last evaluated: 2022-12-01. Review status: criteria provided, single submitter. Criteria: CeGaT Center For Human Genetics Tuebingen Variant Classification Criteria Version 2. Collection method: clinical testing. Allele origin: germline. Affected: yes. Observed: 2 variant alleles.
Comment: RB1: BS1

Women's Health and Genetics/Laboratory Corporation of America, LabCorp
Classification: Likely benign. Last evaluated: 2022-07-11. Review status: criteria provided, single submitter. Criteria: LabCorp Variant Classification Summary - May 2015. Collection method: clinical testing. Allele origin: germline.
Comment: Variant summary: RB1 c.1966C>T (p.Arg656Trp) results in a non-conservative amino acid change located in the Retinoblastoma-associated protein, B-box domain (IPR002719) of the encoded protein sequence. Three of five in-silico tools predict a damaging effect of the variant on protein function. The variant allele was found at a frequency of 0.00066 in 251334 control chromosomes. The observed variant frequency is approximately 16 fold of the estimated maximal expected allele frequency for a pathogenic variant in RB1 causing Retinoblastoma phenotype (4.2e-05), strongly suggesting that the variant is benign. Although appearing in the literature, to our knowledge, no penetrant association of c.1966C>T in individuals affected with Retinoblastoma and no experimental evidence demonstrating its impact on protein function have been reported. Seven clinical diagnostic laboratories have submitted clinical-significance assessments for this variant to ClinVar after 2014 without evidence for independent evaluation and a predominant consensus as benign/likely benign (n=5) (VUS, n=2). Based on the evidence outlined above, the variant was classified as likely benign.

Color Diagnostics, LLC DBA Color Health
Classification: Benign for Retinoblastoma. Last evaluated: 2022-05-02. Review status: criteria provided, single submitter. Criteria: ACMG Guidelines, 2015. Collection method: clinical testing. Allele origin: germline.

Laboratory of Molecular Epidemiology of Birth Defects, West China Second University Hospital, Sichuan University
Classification: Benign for Ovarian cancer. Last evaluated: 2022-01-01. Review status: criteria provided, single submitter. Criteria: ACMG Guidelines, 2015. Collection method: clinical testing. Allele origin: germline. Affected: yes.

Institute for Clinical Genetics, University Hospital TU Dresden, University Hospital TU Dresden
Classification: Uncertain significance. Last evaluated: 2021-11-03. Review status: criteria provided, single submitter. Criteria: ACMG Guidelines, 2015. Collection method: clinical testing. Allele origin: germline.

Sema4
Classification: Benign for Hereditary cancer-predisposing syndrome. Last evaluated: 2020-10-20. Review status: criteria provided, single submitter. Criteria: Sema4 Curation Guidelines. Collection method: curation. Allele origin: germline.

GeneDx
Classification: Likely benign. Last evaluated: 2019-05-21. Review status: criteria provided, single submitter. Criteria: GeneDx Variant Classification Process June 2021. Collection method: clinical testing. Allele origin: germline. Affected: yes.
Comment: In silico analysis, which includes protein predictors and evolutionary conservation, supports a deleterious effect; This variant is associated with the following publications: (PMID: 29961174, 26919633, 25452114, 25148578, 15884040, 24688104, 16269091, 12541220, 24082139, 24448499, 22703879)

Illumina Laboratory Services, Illumina
Classification: Likely benign for Retinoblastoma. Last evaluated: 2018-11-06. Review status: criteria provided, single submitter. Criteria: ICSL Variant Classification Criteria 13 December 2019. Collection method: clinical testing. Allele origin: germline.
Comment: This variant was observed as part of a predisposition screen in an ostensibly healthy population. A literature search was performed for the gene, cDNA change, and amino acid change (where applicable). Publications were found based on this search. The evidence from the literature, in combination with allele frequency data from public databases where available, was sufficient to determine this variant is unlikely to cause disease. Therefore, this variant is classified as likely benign.

Ambry Genetics
Classification: Likely benign for Hereditary cancer-predisposing syndrome. Last evaluated: 2018-05-14. Review status: criteria provided, single submitter. Criteria: Ambry Variant Classification Scheme 2023. Collection method: clinical testing. Allele origin: germline.

Eurofins Ntd Llc (ga)
Classification: Uncertain significance. Last evaluated: 2014-05-06. Review status: criteria provided, single submitter. Criteria: EGL Classification Definitions 2015. Collection method: clinical testing. Allele origin: germline. Observed: 1 variant allele, 1 heterozygote.

PreventionGenetics, part of Exact Sciences
Classification: Likely benign for RB1-related condition. Last evaluated: 2022-08-05. Review status: no assertion criteria provided. Collection method: clinical testing. Allele origin: germline. Not counted in ClinVar's aggregate classification.
Comment: This variant is classified as likely benign based on ACMG/AMP sequence variant interpretation guidelines (Richards et al. 2015 PMID: 25741868, with internal and published modifications).

Biesecker Lab/Clinical Genomics Section, National Institutes of Health
Classification: Uncertain significance. Last evaluated: 2012-07-13. Review status: no assertion criteria provided. Collection method: research. Allele origin: germline. Affected: no. Observed: 1 variant allele. Study: ClinSeq. Not counted in ClinVar's aggregate classification.
ClinVar note: Converted during submission from variant of unknown significance to Uncertain significance.

Literature cited by the submitters: PubMed 24082139 (cited by Illumina Laboratory Services, Illumina and Ambry Genetics); PubMed 16269091 (cited by Illumina Laboratory Services, Illumina); PubMed 24448499 (cited by Illumina Laboratory Services, Illumina and Ambry Genetics); PubMed 12541220 (cited by Illumina Laboratory Services, Illumina and Ambry Genetics); PubMed 24688104 (cited by Illumina Laboratory Services, Illumina and Ambry Genetics).

NM_000321.3(RB1):c.1966C>T (p.Arg656Trp)

Gene: RB1 (RB transcriptional corepressor 1; plus strand). Cytogenetic location: 13q14.2.
Variant type: single nucleotide variant.
Coding change: c.1966C>T on transcript NM_000321.3 (MANE Select); coding-DNA position 1966, C replaced by T.
Protein change: p.Arg656Trp; replaces arginine 656 with tryptophan.
Molecular consequence: missense variant.
Genome position (GRCh38, 1-based): chr13:48,459,693, C>T. VCF-style: chr13-48459693-C-T. GRCh37 (hg19) VCF-style: chr13-49033829-C-T.
Identifiers: ClinVar variation 41683 (VCV000041683.74), dbSNP rs142509759, ClinGen allele CA026415.